The following is an entry in ClinVar:

ClinVar aggregate classification (germline): Uncertain significance (1 of 4 stars; one submission).

Submission:

Labcorp Genetics (formerly Invitae), Labcorp
Classification: Uncertain significance. Last evaluated: 2022-01-19. Review status: criteria provided, single submitter. Criteria: Invitae Variant Classification Sherloc (09022015). Collection method: clinical testing. Allele origin: germline.
Comment: This variant is not present in population databases (gnomAD no frequency). This variant has not been reported in the literature in individuals affected with CAD-related conditions. In summary, the available evidence is currently insufficient to determine the role of this variant in disease. Therefore, it has been classified as a Variant of Uncertain Significance. Algorithms developed to predict the effect of missense changes on protein structure and function are either unavailable or do not agree on the potential impact of this missense change (SIFT: "Deleterious"; PolyPhen-2: "Probably Damaging"; Align-GVGD: "Class C0"). This sequence change replaces glycine, which is neutral and non-polar, with alanine, which is neutral and non-polar, at codon 946 of the CAD protein (p.Gly946Ala).

NM_004341.5(CAD):c.2837G>C (p.Gly946Ala)

Genes: CAD (carbamoyl-phosphate synthetase 2, aspartate transcarbamylase, and dihydroorotase; plus strand), LOC126806171 (BRD4-independent group 4 enhancer GRCh37_chr2:27454350-27455549; plus strand). Cytogenetic location: 2p23.3.
Variant type: single nucleotide variant.
Coding change: c.2837G>C on transcript NM_004341.5 (MANE Select); coding-DNA position 2837, G replaced by C.
Protein change: p.Gly946Ala; replaces glycine 946 with alanine.
Molecular consequence: missense variant.
Genome position (GRCh38, 1-based): chr2:27,232,639, G>C. VCF-style: chr2-27232639-G-C. GRCh37 (hg19) VCF-style: chr2-27455507-G-C.
Other names: c.2648G>C, p.Gly883Ala (NM_001306079.2); short protein forms G883A, G946A.
Identifiers: ClinVar variation 2087883 (VCV002087883.4), dbSNP rs2465327273, ClinGen allele CA346212907.